The following is an entry in ClinVar:

ClinVar aggregate classification (germline): Uncertain significance (1 of 4 stars; one submission).

gnomAD v4.1: 8 of 1,604,060 alleles (0.0005%); highest among the groups gnomAD compares: East Asian, 0.0022%; no homozygotes.

Submission:

Labcorp Genetics (formerly Invitae), Labcorp
Classification: Uncertain significance. Last evaluated: 2025-12-06. Review status: criteria provided, single submitter. Criteria: Invitae Variant Classification Sherloc (09022015). Collection method: clinical testing. Allele origin: germline.
Comment: This sequence change replaces arginine, which is basic and polar, with histidine, which is basic and polar, at codon 253 of the MICU1 protein (p.Arg253His). This variant is present in population databases (rs752791177, gnomAD 0.007%). This variant has not been reported in the literature in individuals affected with MICU1-related conditions. Invitae Evidence Modeling of protein sequence and biophysical properties (such as structural, functional, and spatial information, amino acid conservation, physicochemical variation, residue mobility, and thermodynamic stability) indicates that this missense variant is not expected to disrupt MICU1 protein function with a negative predictive value of 80%. In summary, the available evidence is currently insufficient to determine the role of this variant in disease. Therefore, it has been classified as a Variant of Uncertain Significance.

NM_001195518.2(MICU1):c.752G>A (p.Arg251His)

Gene: MICU1 (mitochondrial calcium uptake 1; minus strand). Cytogenetic location: 10q22.1.
Variant type: single nucleotide variant.
Coding change: c.752G>A on transcript NM_001195518.2 (MANE Select); coding-DNA position 752, G replaced by A.
Protein change: p.Arg251His; replaces arginine 251 with histidine.
Molecular consequence: missense variant. On other transcripts: non-coding transcript variant (3), intron variant (1).
Genome position (GRCh38, 1-based): chr10:72,475,281, C>T on the plus strand (G>A on the coding strand, the complement: MICU1 is on the minus strand). VCF-style: chr10-72475281-C-T. GRCh37 (hg19) VCF-style: chr10-74235039-C-T.
Other names: c.158G>A, p.Arg53His (NM_001195519.2, NM_001441231.1); c.770G>A, p.Arg257His (NM_001363513.2); c.983G>A, p.Arg328His (NM_001441218.1); c.920G>A, p.Arg307His (NM_001441219.1); c.752G>A, p.Arg251His (NM_001441220.1, NM_001441221.1, NM_001441222.1 and 2 more transcripts); c.740G>A, p.Arg247His (NM_001441224.1); c.653G>A, p.Arg218His (NM_001441226.1); c.629G>A, p.Arg210His (NM_001441227.1); and 5 more; short protein forms R23H, R253H, R257H, R218H, R307H, R53H, R210H, R328H.
Identifiers: ClinVar variation 4699709 (VCV004699709.1).